The following is an entry in ClinVar:

ClinVar aggregate classification (germline): Uncertain significance (1 of 4 stars; one submission).

Conditions:
Proline dehydrogenase deficiency (HYRPRO1). Also called: PROLINE OXIDASE DEFICIENCY; Hyperprolinemia type 1. Identifiers: Orphanet 419, MedGen C0268529, MONDO:0009400, OMIM 239500.

Submission:

Dasa
Classification: Uncertain significance for hyperprolinemia type 1. Last evaluated: 2025-12-31. Review status: criteria provided, single submitter. Criteria: DASA Assertion Criteria. Collection method: clinical testing. Allele origin: germline.
Comment: NM_016335.6(PRODH):c.1393C>T (p.Pro465Ser) is a missense variant that results in the substitution of proline with serine. This variant has been observed in affected individuals with PRODH-related disorders. Also, this variant is rare in population databases. The currently available literature and clinical evidence are not sufficient to establish a definitive association between this variant and the reported condition. Therefore, this variant is classified as a variant of uncertain significance.

NM_016335.6(PRODH):c.1393C>T (p.Pro465Ser)

Gene: PRODH (proline dehydrogenase 1; minus strand). Cytogenetic location: 22q11.21.
Variant type: single nucleotide variant.
Coding change: c.1393C>T on transcript NM_016335.6 (MANE Select); coding-DNA position 1393, C replaced by T.
Protein change: p.Pro465Ser; replaces proline 465 with serine.
Molecular consequence: missense variant.
Genome position (GRCh38, 1-based): chr22:18,918,350, G>A on the plus strand (C>T on the coding strand, the complement: PRODH is on the minus strand). VCF-style: chr22-18918350-G-A. GRCh37 (hg19) VCF-style: chr22-18905863-G-A.
Other names: c.1069C>T, p.Pro357Ser (NM_001195226.2, NM_001368250.2); short protein forms P357S, P465S.
Identifiers: ClinVar variation 4883817 (VCV004883817.2).